The following is an entry in ClinVar:

NM_003071.4(HLTF):c.20+425T>C

Gene: HLTF (helicase like transcription factor; minus strand). Cytogenetic location: 3q24.
Variant type: single nucleotide variant.
Coding change: c.20+425T>C on transcript NM_003071.4 (MANE Select); 425 bases into the intron after coding-DNA position 20, T replaced by C.
Molecular consequence: intron variant.
Genome position (GRCh38, 1-based): chr3:149,085,892, A>G on the plus strand (T>C on the coding strand, the complement: HLTF is on the minus strand). VCF-style: chr3-149085892-A-G. GRCh37 (hg19) VCF-style: chr3-148803679-A-G.
Other names: c.20+425T>C (NM_001318935.2, NM_001318934.2, NM_139048.3).
Identifiers: ClinVar variation 1235236 (VCV001235236.3), dbSNP rs772816, ClinGen allele CA11559491.

ClinVar aggregate classification (germline): Benign (1 of 4 stars; one submission).

Allele frequency attached by ClinVar (database versions not stated): 1000 Genomes Project 30x 0.23735; 1000 Genomes Project 0.23942; gnomAD 0.24584; TOPMed 0.25647.
gnomAD v4.1: 38,054 of 152,114 alleles (25%); highest among the groups gnomAD compares: Middle Eastern, 41%; 5,882 homozygotes.

Submission:

GeneDx
Classification: Benign. Last evaluated: 2020-02-18. Review status: criteria provided, single submitter. Criteria: GeneDx Variant Classification Process June 2021. Collection method: clinical testing. Allele origin: germline. Affected: yes.
Comment: This variant is associated with the following publications: (PMID: 29802345)